The following is an entry in ClinVar:

NM_145207.3(AFG2A):c.77C>T (p.Ser26Phe)

Gene: AFG2A (AFG2 AAA ATPase homolog A; plus strand). Cytogenetic location: 4q28.1.
Variant type: single nucleotide variant.
Coding change: c.77C>T on transcript NM_145207.3 (MANE Select); coding-DNA position 77, C replaced by T.
Protein change: p.Ser26Phe; replaces serine 26 with phenylalanine.
Molecular consequence: missense variant.
Genome position (GRCh38, 1-based): chr4:122,923,219, C>T. VCF-style: chr4-122923219-C-T. GRCh37 (hg19) VCF-style: chr4-123844374-C-T.
Other names: c.77C>T, p.Ser26Phe (NM_001317799.2, NM_001345856.2); short protein forms S26F.
Identifiers: ClinVar variation 1449361 (VCV001449361.6), dbSNP rs375140705, ClinGen allele CA104805246.

ClinVar aggregate classification (germline): Uncertain significance (1 of 4 stars; one submission).

Conditions:
Microcephaly-intellectual disability-sensorineural hearing loss-epilepsy-abnormal muscle tone syndrome (NEDHSB). Also called: NEURODEVELOPMENTAL DISORDER WITH HEARING LOSS, SEIZURES, AND BRAIN ABNORMALITIES. Identifiers: Orphanet 457351, MedGen C4225276, MONDO:0014698, OMIM 616577.

Allele frequency attached by ClinVar (database versions not stated): gnomAD 0.00001.
gnomAD v4.1: 3 of 1,614,124 alleles (0.00019%); highest among the groups gnomAD compares: African/African-American, 0.004%; no homozygotes.

Submission:

Labcorp Genetics (formerly Invitae), Labcorp
Classification: Uncertain significance for Microcephaly-intellectual disability-sensorineural hearing loss-epilepsy-abnormal muscle tone syndrome. Last evaluated: 2023-08-04. Review status: criteria provided, single submitter. Criteria: Invitae Variant Classification Sherloc (09022015). Collection method: clinical testing. Allele origin: germline.
Comment: This sequence change replaces serine, which is neutral and polar, with phenylalanine, which is neutral and non-polar, at codon 26 of the SPATA5 protein (p.Ser26Phe). This variant is not present in population databases (gnomAD no frequency). This variant has not been reported in the literature in individuals affected with SPATA5-related conditions. ClinVar contains an entry for this variant (Variation ID: 1449361). Advanced modeling of protein sequence and biophysical properties (such as structural, functional, and spatial information, amino acid conservation, physicochemical variation, residue mobility, and thermodynamic stability) performed at Invitae indicates that this missense variant is not expected to disrupt SPATA5 protein function. In summary, the available evidence is currently insufficient to determine the role of this variant in disease. Therefore, it has been classified as a Variant of Uncertain Significance.